The following is an entry in ClinVar:

ClinVar aggregate classification (germline): Uncertain significance (1 of 4 stars; one submission).

Conditions:
Long QT syndrome (LQTS). Identifiers: MedGen C0023976, MeSH D008133, MONDO:0002442. Disease mechanism: loss of function. Inheritance: Various modes of inheritance.

gnomAD v4.1: 2 of 1,600,354 alleles (0.00012%); highest among the groups gnomAD compares: East Asian, 0.0045%; no homozygotes.

Submission:

Labcorp Genetics (formerly Invitae), Labcorp
Classification: Uncertain significance for Long QT syndrome. Last evaluated: 2024-11-04. Review status: criteria provided, single submitter. Criteria: Invitae Variant Classification Sherloc (09022015). Collection method: clinical testing. Allele origin: germline.
Comment: This sequence change replaces proline, which is neutral and non-polar, with serine, which is neutral and polar, at codon 1797 of the CACNA1C protein (p.Pro1797Ser). This variant is not present in population databases (gnomAD no frequency). This variant has not been reported in the literature in individuals affected with CACNA1C-related conditions. Invitae Evidence Modeling of protein sequence and biophysical properties (such as structural, functional, and spatial information, amino acid conservation, physicochemical variation, residue mobility, and thermodynamic stability) indicates that this missense variant is not expected to disrupt CACNA1C protein function with a negative predictive value of 95%. In summary, the available evidence is currently insufficient to determine the role of this variant in disease. Therefore, it has been classified as a Variant of Uncertain Significance.

NM_000719.7(CACNA1C):c.5389C>T (p.Pro1797Ser)

Genes: CACNA1C (calcium voltage-gated channel subunit alpha1 C; plus strand), CACNA1C-AS1 (CACNA1C antisense RNA 1; minus strand). Cytogenetic location: 12p13.33.
Variant type: single nucleotide variant.
Coding change: c.5389C>T on transcript NM_000719.7 (MANE Select); coding-DNA position 5389, C replaced by T.
Protein change: p.Pro1797Ser; replaces proline 1797 with serine.
Molecular consequence: missense variant.
Genome position (GRCh38, 1-based): chr12:2,679,741, C>T. VCF-style: chr12-2679741-C-T. GRCh37 (hg19) VCF-style: chr12-2788907-C-T.
Other names: c.5533C>T, p.Pro1845Ser (NM_001129827.2, NM_199460.4); c.5512C>T, p.Pro1838Ser (NM_001129829.2); c.5389C>T, p.Pro1797Ser (NM_001129830.3, NM_001129840.2, NM_001129841.2 and 4 more transcripts); c.5473C>T, p.Pro1825Ser (NM_001129831.2); c.5449C>T, p.Pro1817Ser (NM_001129832.2); c.5446C>T, p.Pro1816Ser (NM_001129833.2, NM_001129834.2, NM_001129835.2); c.5440C>T, p.Pro1814Ser (NM_001129836.2); c.5413C>T, p.Pro1805Ser (NM_001129837.2, NM_001129838.2); and 3 more; short protein forms P1786S, P1794S, P1797S, P1817S, P1838S, P1845S, P1805S, P1816S.
Identifiers: ClinVar variation 3690429 (VCV003690429.2).